The following is an entry in ClinVar:

NM_014049.5(ACAD9):c.1765+2dup

Genes: ACAD9 (acyl-CoA dehydrogenase family member 9; plus strand), CFAP92 (cilia and flagella associated protein 92 (putative); minus strand). Cytogenetic location: 3q21.3.
Variant type: Duplication.
Coding change: c.1765+2dup on transcript NM_014049.5 (MANE Select); the canonical splice donor site of the intron after coding-DNA position 1765, one base duplicated (T; older notation c.1765+2dupT).
Molecular consequence: splice donor variant. On other transcripts: intron variant (3).
Genome position (GRCh38, 1-based): chr3:128,910,815, T duplicated. VCF-style (leftmost placement, unchanged base first): chr3-128910814-G-GT. GRCh37 (hg19) VCF-style: chr3-128629657-G-GT.
Other names: c.1396+2dup (NM_001410805.1); c.2312-482dup (NM_001348521.2); c.2408-482dup (NM_001348520.2); c.3281-482dup (NM_001394090.1); c.1765+2dupT (NM_014049.5).
Identifiers: ClinVar variation 4535792 (VCV004535792.1).

ClinVar aggregate classification (germline): Uncertain significance (1 of 4 stars; one submission).

Submission:

Women's Health and Genetics/Laboratory Corporation of America, LabCorp
Classification: Uncertain significance. Last evaluated: 2025-09-04. Review status: criteria provided, single submitter. Criteria: LabCorp Variant Classification Summary - May 2015. Collection method: clinical testing. Allele origin: germline.
Comment: Variant summary: ACAD9 c.1765+2dupT alters a nucleotide located close to a canonical splice site and therefore could affect mRNA splicing, leading to a significantly altered protein sequence. Several computational tools predict a significant impact on normal splicing: Four predict the variant abolishes a 5' splicing donor site. One predicts the variant weakens a cryptic 5' donor site. One predicts the variant strengthens a cryptic 3' acceptor site. However, these predictions have yet to be confirmed by functional studies. The variant was absent in 251480 control chromosomes. The available data on variant occurrences in the general population are insufficient to allow any conclusion about variant significance. To our knowledge, no occurrence of c.1765+2dupT in individuals affected with ACAD9-related conditions and no experimental evidence demonstrating its impact on protein function have been reported. No submitters have cited clinical-significance assessments for this variant to ClinVar. Based on the evidence outlined above, the variant was classified as uncertain significance.